The following is an entry in ClinVar:

NM_004341.5(CAD):c.3162C>T (p.Leu1054=)

Gene: CAD (carbamoyl-phosphate synthetase 2, aspartate transcarbamylase, and dihydroorotase; plus strand). Cytogenetic location: 2p23.3.
Variant type: single nucleotide variant.
Coding change: c.3162C>T on transcript NM_004341.5 (MANE Select); coding-DNA position 3162, C replaced by T.
Protein change: p.Leu1054=; no amino-acid change (leucine 1054 retained).
Molecular consequence: synonymous variant.
Genome position (GRCh38, 1-based): chr2:27,233,482, C>T. VCF-style: chr2-27233482-C-T. GRCh37 (hg19) VCF-style: chr2-27456350-C-T.
Other names: c.2973C>T, p.Leu991= (NM_001306079.2).
Identifiers: ClinVar variation 710412 (VCV000710412.45), dbSNP rs137930730, ClinGen allele CA1573210.

ClinVar aggregate classification (germline): Benign/Likely benign. Review status: criteria provided, multiple submitters, no conflicts (2 of 4 stars). 4 submissions from 4 submitters: Benign (1); Likely benign (2). 1 of the submissions does not count toward it. Last evaluated 2026-01-28.

Conditions:
CAD-related disorder. Also called: CAD-related condition.

Allele frequency attached by ClinVar (database versions not stated): 1000 Genomes Project 30x 0.00031; 1000 Genomes Project 0.00040; ESP Exome Variant Server 0.00054; TOPMed 0.00088; gnomAD exomes 0.00093 and 0.00115; ExAC 0.00095; gnomAD 0.00112 and 0.00122.
gnomAD v4.1: 1,839 of 1,614,232 alleles (0.11%); highest among the groups gnomAD compares: Non-Finnish European, 0.13%; no homozygotes.

Submissions (4):

Labcorp Genetics (formerly Invitae), Labcorp
Classification: Benign. Last evaluated: 2026-01-28. Review status: criteria provided, single submitter. Criteria: Invitae Variant Classification Sherloc (09022015). Collection method: clinical testing. Allele origin: germline.

CeGaT Center for Human Genetics Tuebingen
Classification: Likely benign. Last evaluated: 2026-01-01. Review status: criteria provided, single submitter. Criteria: CeGaT Center For Human Genetics Tuebingen Variant Classification Criteria Version 2. Collection method: clinical testing. Allele origin: germline. Affected: yes. Observed: 9 variant alleles.
Comment: CAD: BP4, BP7

Blueprint Genetics
Classification: Likely benign. Last evaluated: 2024-11-20. Review status: criteria provided, single submitter. Criteria: ACMG Guidelines, 2015. Collection method: clinical testing. Allele origin: germline.

PreventionGenetics, part of Exact Sciences
Classification: Likely benign for CAD-related condition. Last evaluated: 2019-09-06. Review status: no assertion criteria provided. Collection method: clinical testing. Allele origin: germline. Not counted in ClinVar's aggregate classification.
Comment: This variant is classified as likely benign based on ACMG/AMP sequence variant interpretation guidelines (Richards et al. 2015 PMID: 25741868, with internal and published modifications).